The following is an entry in ClinVar:

NM_014822.4(SEC24D):c.1901T>C (p.Leu634Pro)

Gene: SEC24D (SEC24 homolog D, COPII component; minus strand). Cytogenetic location: 4q26.
Variant type: single nucleotide variant.
Coding change: c.1901T>C on transcript NM_014822.4 (MANE Select); coding-DNA position 1901, T replaced by C.
Protein change: p.Leu634Pro; replaces leucine 634 with proline.
Molecular consequence: missense variant.
Genome position (GRCh38, 1-based): chr4:118,744,082, A>G on the plus strand (T>C on the coding strand, the complement: SEC24D is on the minus strand). VCF-style: chr4-118744082-A-G. GRCh37 (hg19) VCF-style: chr4-119665237-A-G.
Other names: c.1904T>C, p.Leu635Pro (NM_001318066.2); short protein forms L635P, L634P.
Identifiers: ClinVar variation 1369609 (VCV001369609.6), dbSNP rs1448386067, ClinGen allele CA358009315.

ClinVar aggregate classification (germline): Uncertain significance (1 of 4 stars; one submission).

Allele frequency attached by ClinVar (database versions not stated): gnomAD exomes below 0.00001.

Submission:

Labcorp Genetics (formerly Invitae), Labcorp
Classification: Uncertain significance. Last evaluated: 2021-08-16. Review status: criteria provided, single submitter. Criteria: Invitae Variant Classification Sherloc (09022015). Collection method: clinical testing. Allele origin: germline.
Comment: In summary, the available evidence is currently insufficient to determine the role of this variant in disease. Therefore, it has been classified as a Variant of Uncertain Significance. Algorithms developed to predict the effect of missense changes on protein structure and function are either unavailable or do not agree on the potential impact of this missense change (SIFT: "Not Available"; PolyPhen-2: "Probably Damaging"; Align-GVGD: "Not Available"). This variant has not been reported in the literature in individuals affected with SEC24D-related conditions. This variant is not present in population databases (ExAC no frequency). This sequence change replaces leucine with proline at codon 634 of the SEC24D protein (p.Leu634Pro). The leucine residue is highly conserved and there is a moderate physicochemical difference between leucine and proline.